The following is an entry in ClinVar:

NM_001190274.2(FBXO11):c.8C>T (p.Ser3Phe)

Genes: FBXO11 (F-box protein 11; minus strand), LOC100506235 (uncharacterized LOC100506235; plus strand). Cytogenetic location: 2p16.3.
Variant type: single nucleotide variant.
Coding change: c.8C>T on transcript NM_001190274.2 (MANE Select); coding-DNA position 8, C replaced by T.
Protein change: p.Ser3Phe; replaces serine 3 with phenylalanine.
Molecular consequence: missense variant.
Genome position (GRCh38, 1-based): chr2:47,905,713, G>A on the plus strand (C>T on the coding strand, the complement: FBXO11 is on the minus strand). VCF-style: chr2-47905713-G-A. GRCh37 (hg19) VCF-style: chr2-48132852-G-A.
Other names: short protein forms S3F.
Identifiers: ClinVar variation 1418347 (VCV001418347.8), dbSNP rs2104142427, ClinGen allele CA346813207.

ClinVar aggregate classification (germline): Uncertain significance (1 of 4 stars; one submission).

Submission:

Labcorp Genetics (formerly Invitae), Labcorp
Classification: Uncertain significance. Last evaluated: 2024-02-24. Review status: criteria provided, single submitter. Criteria: Invitae Variant Classification Sherloc (09022015). Collection method: clinical testing. Allele origin: germline.
Comment: This sequence change replaces serine, which is neutral and polar, with phenylalanine, which is neutral and non-polar, at codon 3 of the FBXO11 protein (p.Ser3Phe). This variant is not present in population databases (gnomAD no frequency). This variant has not been reported in the literature in individuals affected with FBXO11-related conditions. ClinVar contains an entry for this variant (Variation ID: 1418347). Experimental studies and prediction algorithms are not available or were not evaluated, and the functional significance of this variant is currently unknown. In summary, the available evidence is currently insufficient to determine the role of this variant in disease. Therefore, it has been classified as a Variant of Uncertain Significance.